The following is an entry in ClinVar:

NM_173689.7(CRB2):c.311G>A (p.Arg104His)

Gene: CRB2 (crumbs cell polarity complex component 2; plus strand). Cytogenetic location: 9q33.3.
Variant type: single nucleotide variant.
Coding change: c.311G>A on transcript NM_173689.7 (MANE Select); coding-DNA position 311, G replaced by A.
Protein change: p.Arg104His; replaces arginine 104 with histidine.
Molecular consequence: missense variant.
Genome position (GRCh38, 1-based): chr9:123,363,081, G>A. VCF-style: chr9-123363081-G-A. GRCh37 (hg19) VCF-style: chr9-126125360-G-A.
Other names: short protein forms R104H.
Identifiers: ClinVar variation 2159749 (VCV002159749.2), dbSNP rs560714633, ClinGen allele CA5231603.

ClinVar aggregate classification (germline): Uncertain significance (1 of 4 stars; one submission).

Allele frequency attached by ClinVar (database versions not stated): TOPMed below 0.00001; gnomAD 0.00004; ExAC 0.00006; 1000 Genomes Project 30x 0.00016; 1000 Genomes Project 0.00020.
gnomAD v4.1: 43 of 1,611,510 alleles (0.0027%); highest among the groups gnomAD compares: South Asian, 0.032%; no homozygotes.

Submission:

Labcorp Genetics (formerly Invitae), Labcorp
Classification: Uncertain significance. Last evaluated: 2025-10-01. Review status: criteria provided, single submitter. Criteria: Invitae Variant Classification Sherloc (09022015). Collection method: clinical testing. Allele origin: germline.
Comment: This sequence change replaces arginine, which is basic and polar, with histidine, which is basic and polar, at codon 104 of the CRB2 protein (p.Arg104His). The frequency data for this variant in the population databases is considered unreliable, as metrics indicate poor data quality at this position in the gnomAD database. This variant has not been reported in the literature in individuals affected with CRB2-related conditions. ClinVar contains an entry for this variant (Variation ID: 2159749). Invitae Evidence Modeling of protein sequence and biophysical properties (such as structural, functional, and spatial information, amino acid conservation, physicochemical variation, residue mobility, and thermodynamic stability) indicates that this missense variant is not expected to disrupt CRB2 protein function with a negative predictive value of 95%. In summary, the available evidence is currently insufficient to determine the role of this variant in disease. Therefore, it has been classified as a Variant of Uncertain Significance.